The following is an entry in ClinVar:

ClinVar aggregate classification (germline): Uncertain significance (1 of 4 stars; one submission).

Submission:

Labcorp Genetics (formerly Invitae), Labcorp
Classification: Uncertain significance. Last evaluated: 2024-05-20. Review status: criteria provided, single submitter. Criteria: Invitae Variant Classification Sherloc (09022015). Collection method: clinical testing. Allele origin: germline.
Comment: This sequence change replaces cysteine, which is neutral and slightly polar, with phenylalanine, which is neutral and non-polar, at codon 275 of the FGFR3 protein (p.Cys275Phe). This variant is not present in population databases (gnomAD no frequency). This missense change has been observed in individuals with clinical features of FGFR3-related conditions (Invitae). ClinVar contains an entry for this variant (Variation ID: 1680036). Advanced modeling of protein sequence and biophysical properties (such as structural, functional, and spatial information, amino acid conservation, physicochemical variation, residue mobility, and thermodynamic stability) performed at Invitae indicates that this missense variant is expected to disrupt FGFR3 protein function with a positive predictive value of 80%. In summary, the available evidence is currently insufficient to determine the role of this variant in disease. Therefore, it has been classified as a Variant of Uncertain Significance.

NM_000142.5(FGFR3):c.824G>T (p.Cys275Phe)

Gene: FGFR3 (fibroblast growth factor receptor 3; plus strand). Cytogenetic location: 4p16.3.
Variant type: single nucleotide variant.
Coding change: c.824G>T on transcript NM_000142.5 (MANE Select); coding-DNA position 824, G replaced by T.
Protein change: p.Cys275Phe; replaces cysteine 275 with phenylalanine.
Molecular consequence: missense variant. On other transcripts: non-coding transcript variant (1).
Genome position (GRCh38, 1-based): chr4:1,801,919, G>T. VCF-style: chr4-1801919-G-T. GRCh37 (hg19) VCF-style: chr4-1803646-G-T.
Other names: c.824G>T, p.Cys275Phe (NM_001163213.2, NM_001354809.2, NM_001354810.2 and 1 more transcripts); short protein forms C275F.
Identifiers: ClinVar variation 1680036 (VCV001680036.8), dbSNP rs2108784108, ClinGen allele CA355976328.
Genomic context (GRCh38, chr4:1,801,919, plus strand): 5'-TGCAGGCGGGGCTGCCGGCCAACCAGACGGCGGTGCTGGGCAGCGACGTGGAGTTCCACT[G>T]CAAGGTGTACAGTGACGCACAGCCCCACATCCAGTGGCTCAAGCACGTGGAGGTGAATGG-3'
Protein context (NP_000133.1, residues 265-285): AVLGSDVEFH[Cys275Phe]KVYSDAQPHI